The following is an entry in ClinVar:

ClinVar aggregate classification (germline): Pathogenic. Review status: criteria provided, multiple submitters, no conflicts (2 of 4 stars). 3 submissions from 3 submitters: Pathogenic (3). Last evaluated 2025-11-25.

Conditions:
CRB1-related disorder. Also called: CRB1-related disorders; CRB1-related condition.
Leber congenital amaurosis 8 (LCA8). Identifiers: Orphanet 65, MedGen C3151202, MONDO:0013453, OMIM 613835.
Retinitis pigmentosa 12 (RP12). Also called: RP WITH OR WITHOUT PRESERVED PARAARTERIOLE RETINAL PIGMENT EPITHELIUM; RETINITIS PIGMENTOSA WITH OR WITHOUT PARAARTERIOLAR PRESERVATION OF RETINAL PIGMENT EPITHELIUM; RP WITH OR WITHOUT PPRPE. Identifiers: Orphanet 791, MedGen C1838647, MONDO:0010818, OMIM 600105.

Submissions (3):

PreventionGenetics, part of Exact Sciences
Classification: Pathogenic for CRB1-related condition. Last evaluated: 2025-11-25. Review status: criteria provided, single submitter. Criteria: ACMG Guidelines, 2015. Collection method: clinical testing. Allele origin: germline.
Comment: The CRB1 c.3134delT variant is predicted to result in a frameshift and premature protein termination (p.Leu1045Argfs*18). This variant has been reported in the homozygous state in five individuals with Leber congenital amaurosis (LCA) from three related families on Tonoas Island in Micronesia, and it has been identified as a founder mutation in this isolated community (Albakri et al. 2023. PubMed ID: 36595661). This variant has not been reported in a large population database (gnomAD), indicating this variant is rare. Frameshift variants in CRB1 are expected to be pathogenic. This variant is interpreted as pathogenic.

Labcorp Genetics (formerly Invitae), Labcorp
Classification: Pathogenic for Leber congenital amaurosis 8; Retinitis pigmentosa 12. Last evaluated: 2024-02-01. Review status: criteria provided, single submitter. Criteria: Invitae Variant Classification Sherloc (09022015). Collection method: clinical testing. Allele origin: germline.
Comment: This sequence change creates a premature translational stop signal (p.Leu1045Argfs*18) in the CRB1 gene. It is expected to result in an absent or disrupted protein product. Loss-of-function variants in CRB1 are known to be pathogenic (PMID: 10508521, 22065545, 23379534, 25412400, 26957898, 28041643, 29391521). This variant is not present in population databases (gnomAD no frequency). This variant has not been reported in the literature in individuals affected with CRB1-related conditions. ClinVar contains an entry for this variant (Variation ID: 1070751). For these reasons, this variant has been classified as Pathogenic.

GeneDx
Classification: Pathogenic. Last evaluated: 2023-06-23. Review status: criteria provided, single submitter. Criteria: GeneDx Variant Classification Process June 2021. Collection method: clinical testing. Allele origin: germline. Affected: yes.
Comment: Frameshift variant predicted to result in protein truncation or nonsense mediated decay in a gene for which loss of function is a known mechanism of disease; Not observed at significant frequency in large population cohorts (gnomAD); This variant is associated with the following publications: (PMID: 36595661)

Literature cited by the submitters: PubMed 10508521 (cited by Labcorp Genetics (formerly Invitae), Labcorp); PubMed 22065545 (cited by Labcorp Genetics (formerly Invitae), Labcorp); PubMed 23379534 (cited by Labcorp Genetics (formerly Invitae), Labcorp); PubMed 25412400 (cited by Labcorp Genetics (formerly Invitae), Labcorp); PubMed 26957898 (cited by Labcorp Genetics (formerly Invitae), Labcorp); PubMed 28041643 (cited by Labcorp Genetics (formerly Invitae), Labcorp); PubMed 29391521 (cited by Labcorp Genetics (formerly Invitae), Labcorp).

NM_201253.3(CRB1):c.3134del (p.Leu1045fs)

Gene: CRB1 (crumbs cell polarity complex component 1; plus strand). Cytogenetic location: 1q31.3.
Variant type: Deletion.
Coding change: c.3134del on transcript NM_201253.3 (MANE Select); coding-DNA position 3134, one base deleted (T; older notation c.3134delT).
Protein change: p.Leu1045fs; shifts the reading frame from leucine 1045.
Molecular consequence: frameshift variant. On other transcripts: non-coding transcript variant (2), intron variant (1).
Genome position (GRCh38, 1-based): chr1:197,434,997, T deleted. VCF-style (leftmost placement, unchanged base first): chr1-197434996-CT-C. GRCh37 (hg19) VCF-style: chr1-197404126-CT-C.
Other names: c.3134del (NM_201253.2); c.3134delT (NM_201253.2); c.2798del, p.Leu933fs (NM_001193640.2); c.3062del, p.Leu1021fs (NM_001257965.2); c.2129-603del (NM_001257966.2); short protein forms L1021fs, L1045fs, L933fs.
Identifiers: ClinVar variation 1070751 (VCV001070751.9), dbSNP rs2125499552, ClinGen allele CA2499214382.